The following is an entry in ClinVar:

ClinVar aggregate classification (germline): Uncertain significance. Review status: criteria provided, multiple submitters, no conflicts (2 of 4 stars). 2 submissions from 2 submitters: Uncertain significance (2). Last evaluated 2024-12-08.

Submissions (2):

Ambry Genetics
Classification: Uncertain significance. Last evaluated: 2024-12-08. Review status: criteria provided, single submitter. Criteria: Ambry Variant Classification Scheme 2023. Collection method: clinical testing. Allele origin: germline.
Comment: The p.P513L variant (also known as c.1538C>T), located in coding exon 13 of the GEN1 gene, results from a C to T substitution at nucleotide position 1538. The proline at codon 513 is replaced by leucine, an amino acid with similar properties. This amino acid position is conserved. In addition, this alteration is predicted to be tolerated by in silico analysis. Based on the available evidence, the clinical significance of this variant remains unclear.

Labcorp Genetics (formerly Invitae), Labcorp
Classification: Uncertain significance. Last evaluated: 2023-12-12. Review status: criteria provided, single submitter. Criteria: Invitae Variant Classification Sherloc (09022015). Collection method: clinical testing. Allele origin: germline.
Comment: This sequence change replaces proline, which is neutral and non-polar, with leucine, which is neutral and non-polar, at codon 513 of the GEN1 protein (p.Pro513Leu). This variant is present in population databases (no rsID available, gnomAD 0.003%). This variant has not been reported in the literature in individuals affected with GEN1-related conditions. An algorithm developed to predict the effect of missense changes on protein structure and function (PolyPhen-2) suggests that this variant is likely to be tolerated. In summary, the available evidence is currently insufficient to determine the role of this variant in disease. Therefore, it has been classified as a Variant of Uncertain Significance.

NM_001130009.3(GEN1):c.1538C>T (p.Pro513Leu)

Gene: GEN1 (GEN1 structure-specific endonuclease; plus strand). Cytogenetic location: 2p24.2.
Variant type: single nucleotide variant.
Coding change: c.1538C>T on transcript NM_001130009.3 (MANE Select); coding-DNA position 1538, C replaced by T.
Protein change: p.Pro513Leu; replaces proline 513 with leucine.
Molecular consequence: missense variant.
Genome position (GRCh38, 1-based): chr2:17,780,750, C>T. VCF-style: chr2-17780750-C-T. GRCh37 (hg19) VCF-style: chr2-17962017-C-T.
Other names: c.1538C>T (NM_001130009.1); c.1538C>T, p.Pro513Leu (NM_182625.5); short protein forms P513L.
Identifiers: ClinVar variation 2997935 (VCV002997935.4), dbSNP rs1558412215, ClinGen allele CA345926081.